The following is an entry in ClinVar:

NM_004168.4(SDHA):c.677T>A (p.Met226Lys)

Gene: SDHA (succinate dehydrogenase complex flavoprotein subunit A; plus strand). Cytogenetic location: 5p15.33.
Variant type: single nucleotide variant.
Coding change: c.677T>A on transcript NM_004168.4 (MANE Select); coding-DNA position 677, T replaced by A.
Protein change: p.Met226Lys; replaces methionine 226 with lysine.
Molecular consequence: missense variant.
Genome position (GRCh38, 1-based): chr5:228,240, T>A. VCF-style: chr5-228240-T-A. GRCh37 (hg19) VCF-style: chr5-228355-T-A.
Other names: c.533T>A, p.Met178Lys (NM_001294332.2); c.677T>A, p.Met226Lys (NM_001330758.2); short protein forms M178K, M226K.
Identifiers: ClinVar variation 2078523 (VCV002078523.4), dbSNP rs1735165932, ClinGen allele CA359010913.

ClinVar aggregate classification (germline): Uncertain significance (1 of 4 stars; one submission).

Conditions:
Pheochromocytoma/paraganglioma syndrome 5. Also called: Paragangliomas 5; SDHA-Related Hereditary Paraganglioma-Pheochromocytoma Syndrome. Identifiers: Orphanet 29072, MedGen C3279992, MONDO:0013602, OMIM 614165.
Mitochondrial complex II deficiency, nuclear type 1. Also called: SUCCINATE CoQ REDUCTASE DEFICIENCY. Identifiers: Orphanet 3208, MedGen C5700310, MONDO:0100294, OMIM 252011.

Submission:

Labcorp Genetics (formerly Invitae), Labcorp
Classification: Uncertain significance for Pheochromocytoma/paraganglioma syndrome 5; Mitochondrial complex II deficiency, nuclear type 1. Last evaluated: 2022-01-11. Review status: criteria provided, single submitter. Criteria: Invitae Variant Classification Sherloc (09022015). Collection method: clinical testing. Allele origin: germline.
Comment: In summary, the available evidence is currently insufficient to determine the role of this variant in disease. Therefore, it has been classified as a Variant of Uncertain Significance. Algorithms developed to predict the effect of sequence changes on RNA splicing suggest that this variant may create or strengthen a splice site. Algorithms developed to predict the effect of missense changes on protein structure and function are either unavailable or do not agree on the potential impact of this missense change (SIFT: "Deleterious"; PolyPhen-2: "Probably Damaging"; Align-GVGD: "Class C0"). This variant has not been reported in the literature in individuals affected with SDHA-related conditions. This variant is not present in population databases (gnomAD no frequency). This sequence change replaces methionine, which is neutral and non-polar, with lysine, which is basic and polar, at codon 226 of the SDHA protein (p.Met226Lys).